The following is an entry in ClinVar:

ClinVar aggregate classification (germline): Benign/Likely benign. Review status: criteria provided, multiple submitters, no conflicts (2 of 4 stars). 3 submissions from 3 submitters: Benign (1); Likely benign (2). Last evaluated 2026-01-16.

Conditions:
Hereditary cancer-predisposing syndrome. Also called: Hereditary Cancer Syndrome; Hereditary neoplastic syndrome; Neoplastic Syndromes, Hereditary; Tumor predisposition. Identifiers: Orphanet 140162, MedGen C0027672, MeSH D009386, MONDO:0015356.
POLD1-related polyposis and colorectal cancer syndrome (CRCS10). Also called: Colorectal cancer, susceptibility to, 10; Colorectal cancer 10; COLORECTAL CANCER, SUSCEPTIBILITY TO, ON CHROMOSOME 19q. Identifiers: Orphanet 220460, MedGen C2675481, MONDO:0012953, OMIM 612591.

Submissions (3):

Labcorp Genetics (formerly Invitae), Labcorp
Classification: Likely benign for POLD1-related polyposis and colorectal cancer syndrome. Last evaluated: 2026-01-16. Review status: criteria provided, single submitter. Criteria: Invitae Variant Classification Sherloc (09022015). Collection method: clinical testing. Allele origin: germline.

Myriad Genetics, Inc.
Classification: Benign for POLD1-related polyposis and colorectal cancer syndrome. Last evaluated: 2025-02-05. Review status: criteria provided, single submitter. Criteria: Myriad Autosomal Dominant, Autosomal Recessive and X-Linked Classification Criteria (2023). Collection method: clinical testing. Allele origin: unknown.
Comment: This variant is considered benign. This variant is a silent/synonymous amino acid change and it is not expected to impact splicing.

Ambry Genetics
Classification: Likely benign for Hereditary cancer-predisposing syndrome. Last evaluated: 2019-01-03. Review status: criteria provided, single submitter. Criteria: Ambry Variant Classification Scheme 2023. Collection method: clinical testing. Allele origin: germline.

NM_002691.4(POLD1):c.1158T>C (p.Arg386=)

Gene: POLD1 (DNA polymerase delta 1, catalytic subunit; plus strand). Cytogenetic location: 19q13.33.
Variant type: single nucleotide variant.
Coding change: c.1158T>C on transcript NM_002691.4 (MANE Select); coding-DNA position 1158, T replaced by C.
Protein change: p.Arg386=; no amino-acid change (arginine 386 retained).
Molecular consequence: synonymous variant. On other transcripts: non-coding transcript variant (1).
Genome position (GRCh38, 1-based): chr19:50,403,513, T>C. VCF-style: chr19-50403513-T-C. GRCh37 (hg19) VCF-style: chr19-50906770-T-C.
Other names: c.1158T>C, p.Arg386= (NM_001256849.1, NM_001308632.1).
Identifiers: ClinVar variation 760498 (VCV000760498.15), dbSNP rs1601206043, ClinGen allele CA508182999.